The following is an entry in ClinVar:

NM_013275.6(ANKRD11):c.824A>G (p.Asn275Ser)

Gene: ANKRD11 (ankyrin repeat domain 11; minus strand). Cytogenetic location: 16q24.3.
Variant type: single nucleotide variant.
Coding change: c.824A>G on transcript NM_013275.6 (MANE Select); coding-DNA position 824, A replaced by G.
Protein change: p.Asn275Ser; replaces asparagine 275 with serine.
Molecular consequence: missense variant.
Genome position (GRCh38, 1-based): chr16:89,286,107, T>C on the plus strand (A>G on the coding strand, the complement: ANKRD11 is on the minus strand). VCF-style: chr16-89286107-T-C. GRCh37 (hg19) VCF-style: chr16-89352515-T-C.
Other names: c.824A>G, p.Asn275Ser (NM_001256182.2, NM_001256183.2); short protein forms N275S.
Identifiers: ClinVar variation 1228098 (VCV001228098.25), dbSNP rs138723232, ClinGen allele CA8242924.

ClinVar aggregate classification (germline): Benign/Likely benign. Review status: criteria provided, multiple submitters, no conflicts (2 of 4 stars). 6 submissions from 6 submitters: Benign (2); Likely benign (4). Last evaluated 2026-09-01.

Conditions:
Inborn genetic diseases. Identifiers: MedGen C0950123, MeSH D030342.
KBG syndrome (KBGS). Also called: ANKRD11-Related KBG Syndrome. Identifiers: Orphanet 2332, MedGen C0220687, MONDO:0007846, OMIM 148050.
ANKRD11-related disorder. Also called: ANKRD11-related condition.

Allele frequency attached by ClinVar (database versions not stated): gnomAD 0.00005 and 0.00007; ESP Exome Variant Server 0.00008; TOPMed 0.00009; ExAC 0.00022; gnomAD exomes 0.00022.
gnomAD v4.1: 202 of 1,614,012 alleles (0.013%); highest among the groups gnomAD compares: Middle Eastern, 0.36%; 1 homozygote.

Submissions (6):

CeGaT Center for Human Genetics Tuebingen
Classification: Likely benign. Last evaluated: 2026-09-01. Review status: criteria provided, single submitter. Criteria: CeGaT Center For Human Genetics Tuebingen Variant Classification Criteria Version 2. Collection method: clinical testing. Allele origin: germline. Affected: yes. Observed: 3 variant alleles.
Comment: ANKRD11: BP4, BS2

PreventionGenetics, part of Exact Sciences
Classification: Likely benign for ANKRD11-related condition. Last evaluated: 2026-03-21. Review status: criteria provided, single submitter. Criteria: ACMG Guidelines, 2015. Collection method: clinical testing. Allele origin: germline.
Comment: This variant is classified as likely benign based on ACMG/AMP sequence variant interpretation guidelines (Richards et al. 2015 PMID: 25741868, with internal and published modifications).

Labcorp Genetics (formerly Invitae), Labcorp
Classification: Benign for KBG syndrome. Last evaluated: 2025-04-29. Review status: criteria provided, single submitter. Criteria: Invitae Variant Classification Sherloc (09022015). Collection method: clinical testing. Allele origin: germline.

Blueprint Genetics
Classification: Likely benign. Last evaluated: 2024-10-23. Review status: criteria provided, single submitter. Criteria: ACMG Guidelines, 2015. Collection method: clinical testing. Allele origin: germline.

Ambry Genetics
Classification: Likely benign for Inborn genetic diseases. Last evaluated: 2021-10-29. Review status: criteria provided, single submitter. Criteria: Ambry Variant Classification Scheme 2023. Collection method: clinical testing. Allele origin: germline.

GeneDx
Classification: Benign. Last evaluated: 2019-07-15. Review status: criteria provided, single submitter. Criteria: GeneDx Variant Classification Process June 2021. Collection method: clinical testing. Allele origin: germline. Affected: yes.